The following is an entry in ClinVar:

NM_000246.4(CIITA):c.-84C>T

Genes: CIITA (class II major histocompatibility complex transactivator; plus strand), LOC130058442 (ATAC-STARR-seq lymphoblastoid active region 10393; plus strand). Cytogenetic location: 16p13.13.
Variant type: single nucleotide variant.
Coding change: c.-84C>T on transcript NM_000246.4 (MANE Select); 84 bases upstream of the start codon, C replaced by T.
Molecular consequence: 5 prime UTR variant. On other transcripts: non-coding transcript variant (1).
Genome position (GRCh38, 1-based): chr16:10,877,247, C>T. VCF-style: chr16-10877247-C-T. GRCh37 (hg19) VCF-style: chr16-10971104-C-T.
Other names: c.-84C>T (NM_001286402.1, NM_001286403.2, NM_001379330.1 and 3 more transcripts).
Identifiers: ClinVar variation 886404 (VCV000886404.29), dbSNP rs45519531, ClinGen allele CA277700132.

ClinVar aggregate classification (germline): Conflicting classifications of pathogenicity. Review status: criteria provided, conflicting classifications (1 of 4 stars). 3 submissions from 3 submitters: Uncertain significance (2); Benign (1). Last evaluated 2023-01-01.

Conditions:
MHC class II deficiency. Also called: BLS, TYPE II; Bare lymphocyte syndrome 2. Identifiers: Orphanet 572, MedGen C5447452, MONDO:0008855.

Allele frequency attached by ClinVar (database versions not stated): 1000 Genomes Project 30x 0.00250; 1000 Genomes Project 0.00260; gnomAD 0.00447 and 0.00451; TOPMed 0.00478; gnomAD exomes 0.00583.
gnomAD v4.1: 7,435 of 1,293,166 alleles (0.57%); highest among the groups gnomAD compares: Middle Eastern, 3.3%; 40 homozygotes.

Submissions (3):

CeGaT Center for Human Genetics Tuebingen
Classification: Benign. Last evaluated: 2023-01-01. Review status: criteria provided, single submitter. Criteria: CeGaT Center For Human Genetics Tuebingen Variant Classification Criteria Version 2. Collection method: clinical testing. Allele origin: germline. Affected: yes. Observed: 2 variant alleles.
Comment: CIITA: BS1, BS2

Illumina Laboratory Services, Illumina
Classification: Uncertain significance for MHC class II deficiency 1. Last evaluated: 2018-01-13. Review status: criteria provided, single submitter. Criteria: ICSL Variant Classification Criteria 13 December 2019. Collection method: clinical testing. Allele origin: germline.

Breakthrough Genomics
Classification: Uncertain significance. Review status: criteria provided, single submitter. Criteria: ACMG Guidelines, 2015. Collection method: not provided. Allele origin: germline. Inheritance: Autosomal recessive inheritance. Affected: yes.